The following is an entry in ClinVar:

ClinVar aggregate classification (germline): Benign/Likely benign. Review status: criteria provided, multiple submitters, no conflicts (2 of 4 stars). 10 submissions from 10 submitters: Benign (4); Likely benign (6). Last evaluated 2025-09-17.

Conditions:
KBG syndrome (KBGS). Also called: ANKRD11-Related KBG Syndrome. Identifiers: Orphanet 2332, MedGen C0220687, MONDO:0007846, OMIM 148050.
Inborn genetic diseases. Identifiers: MedGen C0950123, MeSH D030342.

Allele frequency attached by ClinVar (database versions not stated): gnomAD exomes 0.00026; ExAC 0.00050; ESP Exome Variant Server 0.00092; TOPMed 0.00108; 1000 Genomes Project 30x 0.00109; gnomAD 0.00112 and 0.00121; 1000 Genomes Project 0.00120.
gnomAD v4.1: 349 of 1,538,542 alleles (0.023%); highest among the groups gnomAD compares: African/African-American, 0.39%; 1 homozygote.

Submissions (10):

Labcorp Genetics (formerly Invitae), Labcorp
Classification: Likely benign for KBG syndrome. Last evaluated: 2025-09-17. Review status: criteria provided, single submitter. Criteria: Invitae Variant Classification Sherloc (09022015). Collection method: clinical testing. Allele origin: germline.

Blueprint Genetics
Classification: Likely benign. Last evaluated: 2024-07-08. Review status: criteria provided, single submitter. Criteria: ACMG Guidelines, 2015. Collection method: clinical testing. Allele origin: germline.

ARUP Laboratories, Molecular Genetics and Genomics, ARUP Laboratories
Classification: Likely benign for KBG syndrome. Last evaluated: 2023-12-22. Review status: criteria provided, single submitter. Criteria: ARUP Molecular Germline Variant Investigation Process 2024. Collection method: clinical testing. Allele origin: germline.

CeGaT Center for Human Genetics Tuebingen
Classification: Likely benign. Last evaluated: 2023-01-01. Review status: criteria provided, single submitter. Criteria: CeGaT Center For Human Genetics Tuebingen Variant Classification Criteria Version 2. Collection method: clinical testing. Allele origin: germline. Affected: yes. Observed: 2 variant alleles.
Comment: ANKRD11: BP4, BS1

Genome-Nilou Lab
Classification: Benign for KBG syndrome. Last evaluated: 2021-12-05. Review status: criteria provided, single submitter. Criteria: ACMG Guidelines, 2015. Collection method: clinical testing. Allele origin: germline. Affected: no.

GeneDx
Classification: Benign. Last evaluated: 2021-01-05. Review status: criteria provided, single submitter. Criteria: GeneDx Variant Classification Process June 2021. Collection method: clinical testing. Allele origin: germline. Affected: yes.

Genetic Services Laboratory, University of Chicago
Classification: Benign. Last evaluated: 2019-06-14. Review status: criteria provided, single submitter. Criteria: ACMG Guidelines, 2015. Collection method: clinical testing. Allele origin: germline. Affected: no.

Ambry Genetics
Classification: Benign for Inborn genetic diseases. Last evaluated: 2018-05-18. Review status: criteria provided, single submitter. Criteria: Ambry Variant Classification Scheme 2023. Collection method: clinical testing. Allele origin: germline.

Center for Pediatric Genomic Medicine, Children's Mercy Hospital and Clinics
Classification: Likely benign. Last evaluated: 2017-08-24. Review status: criteria provided, single submitter. Criteria: ACMG Guidelines, 2015. Collection method: clinical testing. Allele origin: germline.

Breakthrough Genomics
Classification: Likely benign. Review status: criteria provided, single submitter. Criteria: ACMG Guidelines, 2015. Collection method: not provided. Allele origin: germline. Inheritance: Autosomal dominant inheritance. Affected: yes.

NM_013275.6(ANKRD11):c.6745C>T (p.Arg2249Cys)

Gene: ANKRD11 (ankyrin repeat domain 11; minus strand). Cytogenetic location: 16q24.3.
Variant type: single nucleotide variant.
Coding change: c.6745C>T on transcript NM_013275.6 (MANE Select); coding-DNA position 6745, C replaced by T.
Protein change: p.Arg2249Cys; replaces arginine 2249 with cysteine.
Molecular consequence: missense variant.
Genome position (GRCh38, 1-based): chr16:89,279,797, G>A on the plus strand (C>T on the coding strand, the complement: ANKRD11 is on the minus strand). VCF-style: chr16-89279797-G-A. GRCh37 (hg19) VCF-style: chr16-89346205-G-A.
Other names: c.6745C>T, p.Arg2249Cys (NM_001256182.2, NM_001256183.2); short protein forms R2249C.
Identifiers: ClinVar variation 445313 (VCV000445313.86), dbSNP rs202081612, ClinGen allele CA8241348.